The following is an entry in ClinVar:

NM_017934.7(PHIP):c.177C>T (p.Thr59=)

Genes: PHIP (PHIP subunit of CUL4-Ring ligase complex; minus strand), LOC129996744 (ATAC-STARR-seq lymphoblastoid silent region 17345; plus strand). Cytogenetic location: 6q14.1.
Variant type: single nucleotide variant.
Coding change: c.177C>T on transcript NM_017934.7 (MANE Select); coding-DNA position 177, C replaced by T.
Protein change: p.Thr59=; no amino-acid change (threonine 59 retained).
Molecular consequence: synonymous variant.
Genome position (GRCh38, 1-based): chr6:79,077,460, G>A on the plus strand (C>T on the coding strand, the complement: PHIP is on the minus strand). VCF-style: chr6-79077460-G-A. GRCh37 (hg19) VCF-style: chr6-79787177-G-A.
Identifiers: ClinVar variation 3354468 (VCV003354468.1).

ClinVar aggregate classification (germline): Likely benign (0 of 4 stars; one submission).

Conditions:
PHIP-related disorder. Also called: PHIP-related condition; PHIP-related disorders.

gnomAD v4.1: 4 of 1,592,070 alleles (0.00025%); highest among the groups gnomAD compares: East Asian, 0.0024%; no homozygotes.

Submission:

PreventionGenetics, part of Exact Sciences
Classification: Likely benign for PHIP-related condition. Last evaluated: 2024-09-03. Review status: no assertion criteria provided. Collection method: clinical testing. Allele origin: germline.
Comment: This variant is classified as likely benign based on ACMG/AMP sequence variant interpretation guidelines (Richards et al. 2015 PMID: 25741868, with internal and published modifications).